The following is an entry in ClinVar:

ClinVar aggregate classification (germline): Uncertain significance (1 of 4 stars; one submission).

Conditions:
Idiopathic generalized epilepsy. Also called: EIG; Generalised epilepsy. Identifiers: MedGen C0270850, MONDO:0005579, OMIM 600669.
Hyperaldosteronism, familial, type IV (HALD4). Also called: FH IV; ALDOSTERONISM, PRIMARY, AND HYPERTENSION. Identifiers: Orphanet 642671, MedGen C4310756, MONDO:0014875, OMIM 617027.

gnomAD v4.1: 1 of 1,613,502 alleles (0.000062%); highest among the groups gnomAD compares: Non-Finnish European, 0.000085%; no homozygotes.

Submission:

Labcorp Genetics (formerly Invitae), Labcorp
Classification: Uncertain significance for Idiopathic generalized epilepsy; Hyperaldosteronism, familial, type IV. Last evaluated: 2021-06-05. Review status: criteria provided, single submitter. Criteria: Invitae Variant Classification Sherloc (09022015). Collection method: clinical testing. Allele origin: germline.
Comment: In summary, the available evidence is currently insufficient to determine the role of this variant in disease. Therefore, it has been classified as a Variant of Uncertain Significance. Algorithms developed to predict the effect of missense changes on protein structure and function are either unavailable or do not agree on the potential impact of this missense change (SIFT: "Deleterious"; PolyPhen-2: "Probably Damaging"; Align-GVGD: "Class C0"). This variant has not been reported in the literature in individuals with CACNA1H-related conditions. This variant is not present in population databases (ExAC no frequency). This sequence change replaces valine with leucine at codon 240 of the CACNA1H protein (p.Val240Leu). The valine residue is highly conserved and there is a small physicochemical difference between valine and leucine.

NM_021098.3(CACNA1H):c.718G>C (p.Val240Leu)

Gene: CACNA1H (calcium voltage-gated channel subunit alpha1 H; plus strand). Cytogenetic location: 16p13.3.
Variant type: single nucleotide variant.
Coding change: c.718G>C on transcript NM_021098.3 (MANE Select); coding-DNA position 718, G replaced by C.
Protein change: p.Val240Leu; replaces valine 240 with leucine.
Molecular consequence: missense variant.
Genome position (GRCh38, 1-based): chr16:1,198,689, G>C. VCF-style: chr16-1198689-G-C. GRCh37 (hg19) VCF-style: chr16-1248689-G-C.
Other names: c.718G>C, p.Val240Leu (NM_001005407.2); short protein forms V240L.
Identifiers: ClinVar variation 1347227 (VCV001347227.6), dbSNP rs369630836, ClinGen allele CA394154985.